The following is an entry in ClinVar:

NM_003289.4(TPM2):c.388A>G (p.Ile130Val)

Gene: TPM2 (tropomyosin 2; minus strand). Cytogenetic location: 9p13.3.
Variant type: single nucleotide variant.
Coding change: c.388A>G on transcript NM_003289.4 (MANE Select); coding-DNA position 388, A replaced by G.
Protein change: p.Ile130Val; replaces isoleucine 130 with valine.
Molecular consequence: missense variant.
Genome position (GRCh38, 1-based): chr9:35,685,538, T>C on the plus strand (A>G on the coding strand, the complement: TPM2 is on the minus strand). VCF-style: chr9-35685538-T-C. GRCh37 (hg19) VCF-style: chr9-35685535-T-C.
Other names: c.388A>G, p.Ile130Val (NM_001301226.2, NM_001301227.2, NM_213674.1); short protein forms I130V.
Identifiers: ClinVar variation 4766787 (VCV004766787.3).
Genomic context (GRCh38, chr9:35,685,538, plus strand): 5'-CCTTCAGCTGCATCTCCTGCAGTTCCATCTTCTCCTCATCCTTCATGGCCCGGTTTTCGA[T>C]GACCTTCATTCCTCTGAAAGGCAGGGAGAGGGTGAGCGTAGGGTCAGGACCAGCAGAGAC-3'
Protein context (NP_003280.2, residues 120-140): ADESERGMKV[Ile130Val]ENRAMKDEEK

ClinVar aggregate classification (germline): Uncertain significance. Review status: criteria provided, multiple submitters, no conflicts (2 of 4 stars). 2 submissions from 2 submitters: Uncertain significance (2). Last evaluated 2026-02-27.

Conditions:
Arthrogryposis, distal, type 1A. Also called: ARTHROGRYPOSIS MULTIPLEX CONGENITA, DISTAL, TYPE I. Identifiers: Orphanet 1146, MedGen C6022280, MONDO:0007157, OMIM 108120.

Submissions (2):

Dasa
Classification: Uncertain significance. Last evaluated: 2026-02-27. Review status: criteria provided, single submitter. Criteria: DASA Assertion Criteria. Collection method: clinical testing. Allele origin: germline.
Comment: NM_003289.4(TPM2):c.388A>G (p.Ile130Val) is a missense variant that results in the substitution of isoleucine with valine. The affected residue or protein region has prior evidence supporting clinical relevance. This variant is absent from population databases. Computational prediction algorithms are consistent with a deleterious effect. The currently available literature and clinical evidence are not sufficient to establish a definitive association between this variant and the reported condition. Therefore, this variant is classified as a variant of uncertain significance.

Labcorp Genetics (formerly Invitae), Labcorp
Classification: Uncertain significance for Digitotalar dysmorphism. Last evaluated: 2025-05-06. Review status: criteria provided, single submitter. Criteria: Invitae Variant Classification Sherloc (09022015). Collection method: clinical testing. Allele origin: germline.
Comment: This sequence change replaces isoleucine, which is neutral and non-polar, with valine, which is neutral and non-polar, at codon 130 of the TPM2 protein (p.Ile130Val). This variant is not present in population databases (gnomAD no frequency). This variant has not been reported in the literature in individuals affected with TPM2-related conditions. Invitae Evidence Modeling of protein sequence and biophysical properties (such as structural, functional, and spatial information, amino acid conservation, physicochemical variation, residue mobility, and thermodynamic stability) indicates that this missense variant is not expected to disrupt TPM2 protein function with a negative predictive value of 80%. In summary, the available evidence is currently insufficient to determine the role of this variant in disease. Therefore, it has been classified as a Variant of Uncertain Significance.